The following is an entry in ClinVar:

NM_001005373.4(LRSAM1):c.904-17_949del

Gene: LRSAM1 (leucine rich repeat and sterile alpha motif containing 1; plus strand). Cytogenetic location: 9q33.3.
Variant type: Deletion.
Coding change: c.904-17_949del on transcript NM_001005373.4 (MANE Select); 17 bases into the intron before coding-DNA position 904 through coding-DNA position 949, 63 bases deleted.
Molecular consequence: splice acceptor variant.
Genome position (GRCh38, 1-based): chr9:127,479,822-127,479,884, 63 bases deleted. GRCh37 (hg19): chr9:130,242,101-130,242,163.
Other names: c.904-17_949del (NM_138361.5, NM_001384142.1, NM_001384143.1 and 2 more transcripts); c.115-17_160del (NM_001384144.1).
Identifiers: ClinVar variation 1470241 (VCV001470241.6), dbSNP rs2132063794, ClinGen allele CA2573143947.

ClinVar aggregate classification (germline): Likely pathogenic (1 of 4 stars; one submission).

Conditions:
Charcot-Marie-Tooth disease axonal type 2P. Also called: Charcot-Marie-Tooth Neuropathy Type 2G; CHARCOT-MARIE-TOOTH NEUROPATHY, TYPE 2P; CHARCOT-MARIE-TOOTH DISEASE, AXONAL, TYPE 2G; CMT 2G. Identifiers: Orphanet 300319, Orphanet 99941, MedGen C3280797, MONDO:0013753, OMIM 614436.

Submission:

Labcorp Genetics (formerly Invitae), Labcorp
Classification: Likely pathogenic for Charcot-Marie-Tooth disease axonal type 2P. Last evaluated: 2022-05-15. Review status: criteria provided, single submitter. Criteria: Invitae Variant Classification Sherloc (09022015). Collection method: clinical testing. Allele origin: germline.
Comment: In summary, the currently available evidence indicates that the variant is pathogenic, but additional data are needed to prove that conclusively. Therefore, this variant has been classified as Likely Pathogenic. Algorithms developed to predict the effect of sequence changes on RNA splicing suggest that this variant may disrupt the consensus splice site. This variant has not been reported in the literature in individuals affected with LRSAM1-related conditions. This variant is not present in population databases (gnomAD no frequency). This variant results in the deletion of part of exon 13 (c.904-17_949del) of the LRSAM1 gene. It is expected to disrupt RNA splicing. Variants that disrupt the donor or acceptor splice site typically lead to a loss of protein function (PMID: 16199547), and loss-of-function variants in LRSAM1 are known to be pathogenic (PMID: 20865121, 33414056).

Literature cited by the submitters: PubMed 16199547; PubMed 20865121; PubMed 33414056.